The following is an entry in ClinVar:

ClinVar aggregate classification (germline): Likely benign. Review status: criteria provided, multiple submitters, no conflicts (2 of 4 stars). 2 submissions from 2 submitters: Likely benign (2). Last evaluated 2026-05-01.

Conditions:
LAMA2-related muscular dystrophy (LAMA2-RD). Also called: Laminin alpha 2-related dystrophy. Identifiers: MedGen C5679788, MONDO:0100228.

Allele frequency attached by ClinVar (database versions not stated): ExAC 0.00006; gnomAD exomes 0.00006.
gnomAD v4.1: 65 of 1,613,868 alleles (0.004%); highest among the groups gnomAD compares: Non-Finnish European, 0.0031%; no homozygotes.

Submissions (2):

CeGaT Center for Human Genetics Tuebingen
Classification: Likely benign. Last evaluated: 2026-05-01. Review status: criteria provided, single submitter. Criteria: CeGaT Center For Human Genetics Tuebingen Variant Classification Criteria Version 2. Collection method: clinical testing. Allele origin: germline. Affected: yes. Observed: 1 variant allele.
Comment: LAMA2: BP4, BP7

Labcorp Genetics (formerly Invitae), Labcorp
Classification: Likely benign for LAMA2-related muscular dystrophy. Last evaluated: 2025-07-03. Review status: criteria provided, single submitter. Criteria: Invitae Variant Classification Sherloc (09022015). Collection method: clinical testing. Allele origin: germline.

NM_000426.4(LAMA2):c.9249G>A (p.Pro3083=)

Gene: LAMA2 (laminin subunit alpha 2; plus strand). Cytogenetic location: 6q22.33.
Variant type: single nucleotide variant.
Coding change: c.9249G>A on transcript NM_000426.4 (MANE Select); coding-DNA position 9249, G replaced by A.
Protein change: p.Pro3083=; no amino-acid change (proline 3083 retained).
Molecular consequence: synonymous variant.
Genome position (GRCh38, 1-based): chr6:129,516,227, G>A. VCF-style: chr6-129516227-G-A. GRCh37 (hg19) VCF-style: chr6-129837372-G-A.
Other names: c.9237G>A, p.Pro3079= (NM_001079823.2).
Identifiers: ClinVar variation 1100302 (VCV001100302.11), dbSNP rs761837666, ClinGen allele CA3995083.